The following is an entry in ClinVar:

NM_001040142.2(SCN2A):c.3849+3G>A

Gene: SCN2A (sodium voltage-gated channel alpha subunit 2; plus strand). Cytogenetic location: 2q24.3.
Variant type: single nucleotide variant.
Coding change: c.3849+3G>A on transcript NM_001040142.2 (MANE Select); 3 bases into the intron after coding-DNA position 3849, G replaced by A.
Molecular consequence: intron variant.
Genome position (GRCh38, 1-based): chr2:165,370,302, G>A. VCF-style: chr2-165370302-G-A. GRCh37 (hg19) VCF-style: chr2-166226812-G-A.
Other names: c.3849+3G>A (NM_001040143.2, NM_001371246.1, NM_001371247.1 and 1 more transcripts).
Identifiers: ClinVar variation 3756396 (VCV003756396.2).
Genomic context (GRCh38, chr2:165,370,302, plus strand): 5'-TGGTTTTCAAGTGTATTTTACCAATGCCTGGTGCTGGCTAGACTTCCTGATTGTTGATGT[G>A]AGTATGCTGCACTTTGCTGCTTTATTCATTGGCATATATGTAATAGTTCTAGCAATGGTG-3'

ClinVar aggregate classification (germline): Uncertain significance (1 of 4 stars; one submission).

Conditions:
Developmental and epileptic encephalopathy, 11 (DEE11). Also called: Early infantile epileptic encephalopathy 11. Identifiers: Orphanet 1934, MedGen C3150987, MONDO:0013388, OMIM 613721.
Seizures, benign familial infantile, 3 (BFIS3). Also called: CONVULSIONS, BENIGN FAMILIAL INFANTILE, 3; Familial neonatal seizures. Identifiers: Orphanet 140927, Orphanet 306, MedGen C1843140, MONDO:0011904, OMIM 607745.

Submission:

Labcorp Genetics (formerly Invitae), Labcorp
Classification: Uncertain significance for Seizures, benign familial infantile, 3; Developmental and epileptic encephalopathy, 11. Last evaluated: 2024-05-17. Review status: criteria provided, single submitter. Criteria: Invitae Variant Classification Sherloc (09022015). Collection method: clinical testing. Allele origin: germline.
Comment: This sequence change falls in intron 20 of the SCN2A gene. It does not directly change the encoded amino acid sequence of the SCN2A protein. It affects a nucleotide within the consensus splice site. This variant is not present in population databases (gnomAD no frequency). This variant has not been reported in the literature in individuals affected with SCN2A-related conditions. Variants that disrupt the consensus splice site are a relatively common cause of aberrant splicing (PMID: 17576681, 9536098). Algorithms developed to predict the effect of sequence changes on RNA splicing suggest that this variant is not likely to affect RNA splicing. In summary, the available evidence is currently insufficient to determine the role of this variant in disease. Therefore, it has been classified as a Variant of Uncertain Significance.

Literature cited by the submitters: PubMed 17576681; PubMed 9536098.